The following is an entry in ClinVar:

ClinVar aggregate classification (germline): Uncertain significance. Review status: criteria provided, multiple submitters, no conflicts (2 of 4 stars). 2 submissions from 2 submitters: Uncertain significance (2). Last evaluated 2026-07-07.

Conditions:
Deafness-lymphedema-leukemia syndrome. Also called: Lymphedema, primary, with myelodysplasia; Emberger syndrome. Identifiers: Orphanet 3226, MedGen C3279664, MONDO:0013540, OMIM 614038.
Monocytopenia with susceptibility to infections. Also called: MONOCYTOPENIA AND MYCOBACTERIAL INFECTION SYNDROME; MONOCYTOPENIA WITH SUSCEPTIBILITY TO MYCOBACTERIAL, FUNGAL, AND PAPILLOMAVIRUS INFECTIONS AND MYELODYSPLASIA; COMBINED IMMUNODEFICIENCY WITH SUSCEPTIBILITY TO MYCOBACTERIAL, VIRAL, AND FUNGAL INFECTIONS; Dendritic cell, monocyte, B lymphocyte, and natural killer lymphocyte deficiency; IMMUNODEFICIENCY 21; GATA2 DEFICIENCY. Identifiers: Orphanet 228423, MedGen C3280030, MONDO:0013607, OMIM 614172.
Inborn genetic diseases. Identifiers: MedGen C0950123, MeSH D030342.

Submissions (2):

Ambry Genetics
Classification: Uncertain significance for Inborn genetic diseases. Last evaluated: 2026-07-07. Review status: criteria provided, single submitter. Criteria: Ambry Variant Classification Scheme 2023. Collection method: clinical testing. Allele origin: germline.
Comment: The p.P247S variant (also known as c.739C>T), located in coding exon 2 of the GATA2 gene, results from a C to T substitution at nucleotide position 739. The proline at codon 247 is replaced by serine, an amino acid with similar properties. This amino acid position is conserved. In addition, the in silico prediction for this alteration is inconclusive. Based on the available evidence, the clinical significance of this variant remains unclear.

Labcorp Genetics (formerly Invitae), Labcorp
Classification: Uncertain significance for Monocytopenia with susceptibility to infections; Deafness-lymphedema-leukemia syndrome. Last evaluated: 2021-08-12. Review status: criteria provided, single submitter. Criteria: Invitae Variant Classification Sherloc (09022015). Collection method: clinical testing. Allele origin: germline.
Comment: In summary, the available evidence is currently insufficient to determine the role of this variant in disease. Therefore, it has been classified as a Variant of Uncertain Significance. Advanced modeling of protein sequence and biophysical properties (such as structural, functional, and spatial information, amino acid conservation, physicochemical variation, residue mobility, and thermodynamic stability) performed at Invitae indicates that this missense variant is not expected to disrupt GATA2 protein function. This variant has not been reported in the literature in individuals affected with GATA2-related conditions. This variant is not present in population databases (ExAC no frequency). This sequence change replaces proline with serine at codon 247 of the GATA2 protein (p.Pro247Ser). The proline residue is moderately conserved and there is a moderate physicochemical difference between proline and serine.

NM_032638.5(GATA2):c.739C>T (p.Pro247Ser)

Gene: GATA2 (GATA binding protein 2; minus strand). Cytogenetic location: 3q21.3.
Variant type: single nucleotide variant.
Coding change: c.739C>T on transcript NM_032638.5 (MANE Select); coding-DNA position 739, C replaced by T.
Protein change: p.Pro247Ser; replaces proline 247 with serine.
Molecular consequence: missense variant.
Genome position (GRCh38, 1-based): chr3:128,485,859, G>A on the plus strand (C>T on the coding strand, the complement: GATA2 is on the minus strand). VCF-style: chr3-128485859-G-A. GRCh37 (hg19) VCF-style: chr3-128204702-G-A.
Other names: c.739C>T, p.Pro247Ser (NM_001145661.2, NM_001145662.1); c.739C>T (NM_001145661.1); short protein forms P247S.
Identifiers: ClinVar variation 1374717 (VCV001374717.7), dbSNP rs2107672045, ClinGen allele CA354406082.